The following is an entry in ClinVar:

ClinVar aggregate classification (germline): Benign. Review status: criteria provided, multiple submitters, no conflicts (2 of 4 stars). 2 submissions from 2 submitters: Benign (2). Last evaluated 2017-04-27.

Conditions:
Premature ovarian failure 2B. Identifiers: MedGen C1845105, MONDO:0010373, OMIM 300604.

Allele frequency attached by ClinVar (database versions not stated): gnomAD exomes 0.16549; TOPMed 0.22030; 1000 Genomes Project 30x 0.23205; 1000 Genomes Project 0.23417.

Submissions (2):

Illumina Laboratory Services, Illumina
Classification: Benign for Premature ovarian failure 2B. Last evaluated: 2017-04-27. Review status: criteria provided, single submitter. Criteria: ICSL Variant Classification Criteria 13 December 2019. Collection method: clinical testing. Allele origin: germline.
Comment: This variant was observed as part of a predisposition screen in an ostensibly healthy population. A literature search was performed for the gene, cDNA change, and amino acid change (where applicable). No publications were found based on this search. Allele frequency data from public databases was too high to be consistent with this variant causing disease. Therefore, this variant is classified as benign.

Breakthrough Genomics
Classification: Benign. Review status: criteria provided, single submitter. Criteria: ACMG Guidelines, 2015. Collection method: not provided. Allele origin: germline. Inheritance: X-linked inheritance. Affected: yes.

NM_024921.4(POF1B):c.*1019C>A

Gene: POF1B (POF1B actin binding protein; minus strand). Cytogenetic location: Xq21.1.
Variant type: single nucleotide variant.
Coding change: c.*1019C>A on transcript NM_024921.4 (MANE Select); 1019 bases downstream of the stop codon, C replaced by A.
Molecular consequence: 3 prime UTR variant.
Genome position (GRCh38, 1-based): chrX:85,278,402, G>T on the plus strand (C>A on the coding strand, the complement: POF1B is on the minus strand). VCF-style: chrX-85278402-G-T. GRCh37 (hg19) VCF-style: chrX-84533408-G-T.
Identifiers: ClinVar variation 368767 (VCV000368767.6), dbSNP rs12557804, ClinGen allele CA10654082.